The following is an entry in ClinVar:

ClinVar aggregate classification (germline): Uncertain significance (1 of 4 stars; one submission).

Conditions:
Myoclonic dystonia 11 (DYT11). Also called: DYT-SGCE; Myoclonic dystonia; Dystonia 11; Dystonia, alcohol responsive; Hereditary essential myoclonus; SGCE Myoclonus-Dystonia. Identifiers: Orphanet 36899, MedGen C1834570, MONDO:0008044, OMIM 159900.

Submission:

Labcorp Genetics (formerly Invitae), Labcorp
Classification: Uncertain significance for Myoclonic dystonia 11. Last evaluated: 2022-08-23. Review status: criteria provided, single submitter. Criteria: Invitae Variant Classification Sherloc (09022015). Collection method: clinical testing. Allele origin: germline.
Comment: ClinVar contains an entry for this variant (Variation ID: 1478230). This sequence change replaces leucine, which is neutral and non-polar, with proline, which is neutral and non-polar, at codon 35 of the SGCE protein (p.Leu35Pro). This variant is not present in population databases (gnomAD no frequency). This variant has not been reported in the literature in individuals affected with SGCE-related conditions. Algorithms developed to predict the effect of missense changes on protein structure and function are either unavailable or do not agree on the potential impact of this missense change (SIFT: "Deleterious"; PolyPhen-2: "Possibly Damaging"; Align-GVGD: "Class C0"). In summary, the available evidence is currently insufficient to determine the role of this variant in disease. Therefore, it has been classified as a Variant of Uncertain Significance.

NM_003919.3(SGCE):c.104T>C (p.Leu35Pro)

Gene: SGCE (sarcoglycan epsilon; minus strand). Cytogenetic location: 7q21.3.
Variant type: single nucleotide variant.
Coding change: c.104T>C on transcript NM_003919.3 (MANE Select); coding-DNA position 104, T replaced by C.
Protein change: p.Leu35Pro; replaces leucine 35 with proline.
Molecular consequence: missense variant. On other transcripts: 5 prime UTR variant (4).
Genome position (GRCh38, 1-based): chr7:94,655,995, A>G on the plus strand (T>C on the coding strand, the complement: SGCE is on the minus strand). VCF-style: chr7-94655995-A-G. GRCh37 (hg19) VCF-style: chr7-94285307-A-G.
Other names: c.104T>C, p.Leu35Pro (NM_001099400.2, NM_001099401.2, NM_001301139.2 and 4 more transcripts); c.-154T>C (NM_001346719.2); c.-232T>C (NM_001346720.2, NM_001362808.2); c.-160T>C (NM_001362807.2); short protein forms L35P.
Identifiers: ClinVar variation 1478230 (VCV001478230.6), dbSNP rs2117137538, ClinGen allele CA368393553.